The following is an entry in ClinVar:

NM_001378454.1(ALMS1):c.3016dup (p.Arg1006fs)

Gene: ALMS1 (ALMS1 centrosome and basal body associated protein; plus strand). Cytogenetic location: 2p13.1.
Variant type: Duplication.
Coding change: c.3016dup on transcript NM_001378454.1 (MANE Select); coding-DNA position 3016, one base duplicated (A; older notation c.3016dupA).
Protein change: p.Arg1006fs; shifts the reading frame from arginine 1006.
Molecular consequence: frameshift variant.
Genome position (GRCh38, 1-based): chr2:73,449,543, A duplicated. VCF-style (leftmost placement, unchanged base first): chr2-73449542-T-TA. GRCh37 (hg19) VCF-style: chr2-73676669-T-TA.
Other names: c.3019dup, p.Arg1007fs (NM_015120.4); c.3019dupA (NM_015120.4); short protein forms R1007fs, R1006fs.
Identifiers: ClinVar variation 240992 (VCV000240992.16), dbSNP rs878854998, ClinGen allele CA1713449.

ClinVar aggregate classification (germline): Pathogenic. Review status: criteria provided, multiple submitters, no conflicts (2 of 4 stars). 4 submissions from 4 submitters: Pathogenic (4). Last evaluated 2026-02-13.

Conditions:
Cardiovascular phenotype. Identifiers: MedGen CN230736.
ALMS1-related disorder. Also called: ALMS1-related condition.
Alstrom syndrome (ALMS). Identifiers: Orphanet 64, MedGen C0268425, MONDO:0008763, OMIM 203800.

Allele frequency attached by ClinVar (database versions not stated): gnomAD 0.00001; ExAC 0.00002; gnomAD exomes 0.00002 and 0.00003; TOPMed 0.00002; ESP Exome Variant Server 0.00009.

Submissions (4):

Ambry Genetics
Classification: Pathogenic for Cardiovascular phenotype. Last evaluated: 2026-02-13. Review status: criteria provided, single submitter. Criteria: Ambry Variant Classification Scheme 2023. Collection method: clinical testing. Allele origin: germline.
Comment: The c.3019dupA pathogenic mutation, located in coding exon 8 of the ALMS1 gene, results from a duplication of A at nucleotide position 3019, causing a translational frameshift with a predicted alternate stop codon (p.R1007Kfs*15). This variant was reported in individual(s) with features consistent with Alstrom syndrome (Marshall JD et al. Hum Mutat, 2015 Jul;36:660-8; Lindsey S et al. Am J Med Genet A, 2017 Aug;173:2210-2218). This alteration is expected to result in loss of function by premature protein truncation or nonsense-mediated mRNA decay. As such, this alteration is interpreted as a disease-causing mutation.

Natera, Inc.
Classification: Pathogenic for Alstrom syndrome. Last evaluated: 2025-05-20. Review status: criteria provided, single submitter. Criteria: Natera Variant Classification Schema (03/2026). Collection method: clinical testing. Allele origin: germline.
Comment: The c.3019dupA variant in ALMS1 is a frameshift variant predicted to shift the reading frame beginning at codon 1007 and leads to a stop codon 15 codons downstream. This variant is expected to result in nonsense mediated decay, truncation, or a dysfunctional protein product. This variant is rare in the general population with a frequency below the threshold expected for the associated phenotype(s). This variant has been observed in one or more individuals affected with the associated recessive disease, as either homozygous or compound heterozygous with a second variant (PMID: 33410256, 30064963). Additionally, this variant has been observed to segregate in affected family members (PMID: 33410256). Given the available evidence, this variant is classified as Pathogenic.

Labcorp Genetics (formerly Invitae), Labcorp
Classification: Pathogenic for Alstrom syndrome. Last evaluated: 2025-05-14. Review status: criteria provided, single submitter. Criteria: Invitae Variant Classification Sherloc (09022015). Collection method: clinical testing. Allele origin: germline.
Comment: This sequence change creates a premature translational stop signal (p.Arg1007Lysfs*15) in the ALMS1 gene. It is expected to result in an absent or disrupted protein product. Loss-of-function variants in ALMS1 are known to be pathogenic (PMID: 17594715). This variant is present in population databases (rs751695119, gnomAD 0.007%). This premature translational stop signal has been observed in individual(s) with Alstrom Syndrome (PMID: 25846608). ClinVar contains an entry for this variant (Variation ID: 240992). For these reasons, this variant has been classified as Pathogenic.

Blueprint Genetics
Classification: Pathogenic for ALMS1-related disorders. Last evaluated: 2021-12-17. Review status: criteria provided, single submitter. Criteria: ACMG Guidelines, 2015. Collection method: clinical testing. Allele origin: germline. Affected: yes. Observed: 1 variant allele.

Literature cited by the submitters: PubMed 25846608 (cited by Ambry Genetics and Labcorp Genetics (formerly Invitae), Labcorp); PubMed 28573831 (cited by Ambry Genetics); PubMed 33410256 (cited by Natera, Inc.); PubMed 30064963 (cited by Natera, Inc.); PubMed 17594715 (cited by Labcorp Genetics (formerly Invitae), Labcorp).